The following is an entry in ClinVar:

ClinVar aggregate classification (germline): Benign. Review status: criteria provided, single submitter (1 of 4 stars). 3 submissions from 3 submitters: Benign (1). 2 of the submissions do not count toward it. Last evaluated 2026-01-15.

Conditions:
Hypogonadotropic hypogonadism 17 with or without anosmia (HH17). Also called: HYPOGONADOTROPIC HYPOGONADISM 17 WITH ANOSMIA; HYPOGONADOTROPIC HYPOGONADISM 17 WITHOUT ANOSMIA; HYPOGONADOTROPIC HYPOGONADISM 17 WITH OR WITHOUT ANOSMIA, SUSCEPTIBILITY TO. Identifiers: Orphanet 478, MedGen C3808971, MONDO:0014102, OMIM 615266.

Allele frequency attached by ClinVar (database versions not stated): gnomAD exomes 0.00123; ExAC 0.00171; 1000 Genomes Project 30x 0.00375; 1000 Genomes Project 0.00419; gnomAD 0.00473 and 0.00522; TOPMed 0.00567; ESP Exome Variant Server 0.00661.
gnomAD v4.1: 1,361 of 1,613,460 alleles (0.084%); highest among the groups gnomAD compares: African/African-American, 1.6%; 10 homozygotes.

Submissions (3):

Labcorp Genetics (formerly Invitae), Labcorp
Classification: Benign. Last evaluated: 2026-01-15. Review status: criteria provided, single submitter. Criteria: Invitae Variant Classification Sherloc (09022015). Collection method: clinical testing. Allele origin: germline.

Reproductive Health Research and Development, BGI Genomics
Classification: Uncertain significance for Hypogonadotropic hypogonadism 17 with or without anosmia. Last evaluated: 2020-01-06. Review status: no assertion criteria provided. Collection method: curation. Allele origin: germline. Not counted in ClinVar's aggregate classification.
Comment: NM_030964.3:c.910G>A in the SPRY4 gene has an allele frequency of 0.017 in African subpopulation in the gnomAD database. This variant has been reported in an individual with normosmic idiopathic hypogonadotropic hypogonadism (PMID: 23643382). The available evidence is currently insufficient to determine the role of this variant in disease. We interpret it as variant of uncertain significance (VUS). ACMG/AMP criteria applied: PP4.

OMIM
Classification: Pathogenic for HYPOGONADOTROPIC HYPOGONADISM 17 WITHOUT ANOSMIA. Last evaluated: 2013-05-02. Review status: no assertion criteria provided. Collection method: literature only. Allele origin: germline. Not counted in ClinVar's aggregate classification.

Literature cited by the submitters: PubMed 23643382 (cited by OMIM).

NM_001127496.3(SPRY4):c.841G>A (p.Val281Ile)

Gene: SPRY4 (sprouty RTK signaling antagonist 4; minus strand). Cytogenetic location: 5q31.3.
Variant type: single nucleotide variant.
Coding change: c.841G>A on transcript NM_001127496.3 (MANE Select); coding-DNA position 841, G replaced by A.
Protein change: p.Val281Ile; replaces valine 281 with isoleucine.
Molecular consequence: missense variant.
Genome position (GRCh38, 1-based): chr5:142,314,268, C>T on the plus strand (G>A on the coding strand, the complement: SPRY4 is on the minus strand). VCF-style: chr5-142314268-C-T. GRCh37 (hg19) VCF-style: chr5-141693833-C-T.
Other names: c.841G>A, p.Val281Ile (NM_001293289.3, NM_001293290.3); c.910G>A, p.Val304Ile (NM_030964.5); short protein forms V304I, V281I.
Identifiers: ClinVar variation 50873 (VCV000050873.10), dbSNP rs142439525, ClinGen allele CA3485454.